The following is an entry in ClinVar:

NM_002755.4(MAP2K1):c.1053T>A (p.Asp351Glu)

Genes: MAP2K1 (mitogen-activated protein kinase kinase 1; plus strand), SNAPC5 (small nuclear RNA activating complex polypeptide 5; minus strand). Cytogenetic location: 15q22.31.
Variant type: single nucleotide variant.
Coding change: c.1053T>A on transcript NM_002755.4 (MANE Select); coding-DNA position 1053, T replaced by A.
Protein change: p.Asp351Glu; replaces aspartic acid 351 with glutamic acid.
Molecular consequence: missense variant. On other transcripts: 3 prime UTR variant (1), non-coding transcript variant (1).
Genome position (GRCh38, 1-based): chr15:66,489,748, T>A. VCF-style: chr15-66489748-T-A. GRCh37 (hg19) VCF-style: chr15-66782086-T-A.
Other names: c.*991A>T (NM_006049.4); c.909T>A, p.Asp303Glu (NM_001411065.1); short protein forms D303E, D351E.
Identifiers: ClinVar variation 2836006 (VCV002836006.3), dbSNP rs2545107840, ClinGen allele CA392938563.
Genomic context (GRCh38, chr15:66,489,748, plus strand): 5'-CAGCTCTTACCTTGTCTTTCTTCCTTTAAGCTTAATAAAAAACCCCGCAGAGAGAGCAGA[T>A]TTGAAGCAACTCATGGTGAGTCTATTTATTCCGGATTCTTACAGTACCTGTTTATTCATT-3'
Protein context (NP_002746.1, residues 341-361): CLIKNPAERA[Asp351Glu]LKQLMVHAFI

ClinVar aggregate classification (germline): Uncertain significance (1 of 4 stars; one submission).

Conditions:
RASopathy. Also called: Noonan spectrum disorder; rasopathies. Identifiers: Orphanet 536391, MedGen C5555857, MONDO:0021060.

Submission:

Labcorp Genetics (formerly Invitae), Labcorp
Classification: Uncertain significance for RASopathy. Last evaluated: 2023-02-18. Review status: criteria provided, single submitter. Criteria: Invitae Variant Classification Sherloc (09022015). Collection method: clinical testing. Allele origin: germline.
Comment: In summary, the available evidence is currently insufficient to determine the role of this variant in disease. Therefore, it has been classified as a Variant of Uncertain Significance. Advanced modeling of protein sequence and biophysical properties (such as structural, functional, and spatial information, amino acid conservation, physicochemical variation, residue mobility, and thermodynamic stability) performed at Invitae indicates that this missense variant is not expected to disrupt MAP2K1 protein function. This variant has not been reported in the literature in individuals affected with MAP2K1-related conditions. This variant is not present in population databases (gnomAD no frequency). This sequence change replaces aspartic acid, which is acidic and polar, with glutamic acid, which is acidic and polar, at codon 351 of the MAP2K1 protein (p.Asp351Glu).